The following is an entry in ClinVar:

NM_014014.5(SNRNP200):c.6088C>T (p.Arg2030Cys)

Gene: SNRNP200 (small nuclear ribonucleoprotein U5 subunit 200; minus strand). Cytogenetic location: 2q11.2.
Variant type: single nucleotide variant.
Coding change: c.6088C>T on transcript NM_014014.5 (MANE Select); coding-DNA position 6088, C replaced by T.
Protein change: p.Arg2030Cys; replaces arginine 2030 with cysteine.
Molecular consequence: missense variant.
Genome position (GRCh38, 1-based): chr2:96,277,085, G>A on the plus strand (C>T on the coding strand, the complement: SNRNP200 is on the minus strand). VCF-style: chr2-96277085-G-A. GRCh37 (hg19) VCF-style: chr2-96942823-G-A.
Other names: short protein forms R2030C.
Identifiers: ClinVar variation 935525 (VCV000935525.8), dbSNP rs150442718, ClinGen allele CA1777831.
Genomic context (GRCh38, chr2:96,277,085, plus strand): 5'-AGTGGGCTCAGAGCACACTATTATGCTGTGCCCAACAGGCACCACCTCTGGCTCACCTGC[G>A]GATGCTGTCCTTATCTACCACCTCATAAGATAGTTCGATATTAGGGTAGCGGTTACAAAA-3'
Protein context (NP_054733.2, residues 2020-2040): SYEVVDKDSI[Arg2030Cys]SGGPVVVLVQ

ClinVar aggregate classification (germline): Conflicting classifications of pathogenicity. Review status: criteria provided, conflicting classifications (1 of 4 stars). 2 submissions from 2 submitters: Uncertain significance (1); Likely benign (1). Last evaluated 2025-09-21.

Allele frequency attached by ClinVar (database versions not stated): gnomAD 0.00001 and 0.00002; ExAC 0.00002; TOPMed 0.00003; gnomAD exomes 0.00004 and 0.00006; ESP Exome Variant Server 0.00008.
gnomAD v4.1: 89 of 1,614,164 alleles (0.0055%); highest among the groups gnomAD compares: East Asian, 0.011%; no homozygotes.

Submissions (2):

Labcorp Genetics (formerly Invitae), Labcorp
Classification: Uncertain significance. Last evaluated: 2025-09-21. Review status: criteria provided, single submitter. Criteria: Invitae Variant Classification Sherloc (09022015). Collection method: clinical testing. Allele origin: germline.
Comment: This sequence change replaces arginine, which is basic and polar, with cysteine, which is neutral and slightly polar, at codon 2030 of the SNRNP200 protein (p.Arg2030Cys). This variant is present in population databases (rs150442718, gnomAD 0.02%). This missense change has been observed in individuals with retinitis pigmentosa (PMID: 33553197; internal data). ClinVar contains an entry for this variant (Variation ID: 935525). Invitae Evidence Modeling of protein sequence and biophysical properties (such as structural, functional, and spatial information, amino acid conservation, physicochemical variation, residue mobility, and thermodynamic stability) indicates that this missense variant is not expected to disrupt SNRNP200 protein function with a negative predictive value of 95%. Experimental studies have shown that this missense change affects SNRNP200 function (PMID: 33553197). In summary, the available evidence is currently insufficient to determine the role of this variant in disease. Therefore, it has been classified as a Variant of Uncertain Significance.

Blueprint Genetics
Classification: Likely benign. Last evaluated: 2024-10-08. Review status: criteria provided, single submitter. Criteria: ACMG Guidelines, 2015. Collection method: clinical testing. Allele origin: germline.

Literature cited by the submitters: PubMed 33553197 (cited by Labcorp Genetics (formerly Invitae), Labcorp).